The following is an entry in ClinVar:

ClinVar aggregate classification (germline): Uncertain significance (1 of 4 stars; one submission).

Conditions:
Hereditary cancer-predisposing syndrome. Also called: Neoplastic Syndromes, Hereditary; Tumor predisposition; Hereditary Cancer Syndrome; Hereditary neoplastic syndrome. Identifiers: Orphanet 140162, MedGen C0027672, MeSH D009386, MONDO:0015356.

Submission:

Ambry Genetics
Classification: Uncertain significance for Hereditary cancer-predisposing syndrome. Last evaluated: 2021-11-29. Review status: criteria provided, single submitter. Criteria: Ambry Variant Classification Scheme 2023. Collection method: clinical testing. Allele origin: germline.
Comment: The p.D974E variant (also known as c.2922C>G), located in coding exon 17 of the RET gene, results from a C to G substitution at nucleotide position 2922. The aspartic acid at codon 974 is replaced by glutamic acid, an amino acid with highly similar properties. This amino acid position is not well conserved in available vertebrate species, and glutamic acid is the reference amino acid in other vertebrate species. In addition, this alteration is predicted to be tolerated by in silico analysis. Since supporting evidence is limited at this time, the clinical significance of this alteration remains unclear.

NM_020975.6(RET):c.2922C>G (p.Asp974Glu)

Gene: RET (ret proto-oncogene; plus strand). Cytogenetic location: 10q11.21.
Variant type: single nucleotide variant.
Coding change: c.2922C>G on transcript NM_020975.6 (MANE Select); coding-DNA position 2922, C replaced by G.
Protein change: p.Asp974Glu; replaces aspartic acid 974 with glutamic acid.
Molecular consequence: missense variant.
Genome position (GRCh38, 1-based): chr10:43,123,791, C>G. VCF-style: chr10-43123791-C-G. GRCh37 (hg19) VCF-style: chr10-43619239-C-G.
Other names: c.2922C>G, p.Asp974Glu (NM_000323.2, NM_001406743.1, NM_001406744.1 and 4 more transcripts); c.2160C>G, p.Asp720Glu (NM_001355216.2); c.2793C>G, p.Asp931Glu (NM_001406761.1, NM_001406762.1, NM_001406764.1); c.2787C>G, p.Asp929Glu (NM_001406763.1, NM_001406765.1); c.2634C>G, p.Asp878Glu (NM_001406766.1, NM_001406767.1, NM_001406770.1); c.2658C>G, p.Asp886Glu (NM_001406768.1); c.2526C>G, p.Asp842Glu (NM_001406769.1, NM_001406772.1); c.2484C>G, p.Asp828Glu (NM_001406771.1, NM_001406773.1); and 10 more; short protein forms D644E, D720E, D878E, D974E, D491E, D632E, D675E, D931E.
Identifiers: ClinVar variation 1797725 (VCV001797725.2), dbSNP rs2133006784, ClinGen allele CA376557966.